The following is an entry in ClinVar:

NM_006662.3(SRCAP):c.9553G>T (p.Gly3185Trp)

Gene: SRCAP (Snf2 related CREBBP activator protein; plus strand). Cytogenetic location: 16p11.2.
Variant type: single nucleotide variant.
Coding change: c.9553G>T on transcript NM_006662.3 (MANE Select); coding-DNA position 9553, G replaced by T.
Protein change: p.Gly3185Trp; replaces glycine 3185 with tryptophan.
Molecular consequence: missense variant.
Genome position (GRCh38, 1-based): chr16:30,739,593, G>T. VCF-style: chr16-30739593-G-T. GRCh37 (hg19) VCF-style: chr16-30750914-G-T.
Other names: short protein forms G3185W.
Identifiers: ClinVar variation 3010904 (VCV003010904.3), dbSNP rs780553892, ClinGen allele CA8012949.

ClinVar aggregate classification (germline): Uncertain significance (1 of 4 stars; one submission).

Allele frequency attached by ClinVar (database versions not stated): TOPMed below 0.00001; gnomAD exomes 0.00001; ExAC 0.00003.
gnomAD v4.1: 7 of 1,599,658 alleles (0.00044%); highest among the groups gnomAD compares: Non-Finnish European, 0.00051%; no homozygotes.

Submission:

Labcorp Genetics (formerly Invitae), Labcorp
Classification: Uncertain significance. Last evaluated: 2022-12-15. Review status: criteria provided, single submitter. Criteria: Invitae Variant Classification Sherloc (09022015). Collection method: clinical testing. Allele origin: germline.
Comment: This sequence change replaces glycine, which is neutral and non-polar, with tryptophan, which is neutral and slightly polar, at codon 3185 of the SRCAP protein (p.Gly3185Trp). This variant is present in population databases (rs780553892, gnomAD 0.003%). This variant has not been reported in the literature in individuals affected with SRCAP-related conditions. Advanced modeling of protein sequence and biophysical properties (such as structural, functional, and spatial information, amino acid conservation, physicochemical variation, residue mobility, and thermodynamic stability) performed at Invitae indicates that this missense variant is not expected to disrupt SRCAP protein function. In summary, the available evidence is currently insufficient to determine the role of this variant in disease. Therefore, it has been classified as a Variant of Uncertain Significance.